The following is an entry in ClinVar:

ClinVar aggregate classification (germline): Uncertain significance (1 of 4 stars; one submission).

Conditions:
Cardiovascular phenotype. Identifiers: MedGen CN230736.

Submission:

Ambry Genetics
Classification: Uncertain significance for Cardiovascular phenotype. Last evaluated: 2025-12-16. Review status: criteria provided, single submitter. Criteria: Ambry Variant Classification Scheme 2023. Collection method: clinical testing. Allele origin: germline.
Comment: The p.E1053K variant (also known as c.3157G>A), located in coding exon 11 of the RBM20 gene, results from a G to A substitution at nucleotide position 3157. The glutamic acid at codon 1053 is replaced by lysine, an amino acid with similar properties. This amino acid position is conserved. In addition, the in silico prediction for this alteration is inconclusive. Based on the available evidence, the clinical significance of this variant remains unclear.

NM_001134363.3(RBM20):c.3157G>A (p.Glu1053Lys)

Gene: RBM20 (RNA binding motif protein 20; plus strand). Cytogenetic location: 10q25.2.
Variant type: single nucleotide variant.
Coding change: c.3157G>A on transcript NM_001134363.3 (MANE Select); coding-DNA position 3157, G replaced by A.
Protein change: p.Glu1053Lys; replaces glutamic acid 1053 with lysine.
Molecular consequence: missense variant.
Genome position (GRCh38, 1-based): chr10:110,821,776, G>A. VCF-style: chr10-110821776-G-A. GRCh37 (hg19) VCF-style: chr10-112581534-G-A.
Other names: short protein forms E1053K.
Identifiers: ClinVar variation 4842212 (VCV004842212.1).